The following is an entry in ClinVar:

NC_000004.11:g.(?_16034927)_(16050534_?)dup

Gene: PROM1 (prominin 1; minus strand). Cytogenetic location: 4p15.32.
Variant type: Duplication.
Identifiers: ClinVar variation 1067167 (VCV001067167.3).

ClinVar aggregate classification (germline): Likely pathogenic (1 of 4 stars; one submission).

Submission:

Labcorp Genetics (formerly Invitae), Labcorp
Classification: Likely pathogenic. Last evaluated: 2020-02-07. Review status: criteria provided, single submitter. Criteria: Invitae Variant Classification Sherloc (09022015). Collection method: clinical testing. Allele origin: germline.
Comment: In summary, the currently available evidence indicates that the variant is pathogenic, but additional data are needed to prove that conclusively. Therefore, this variant has been classified as Likely Pathogenic. Loss-of-function variants in PROM1 are known to be pathogenic (PMID: 17605048, 19718270, 24154662). This variant has not been reported in the literature in individuals with PROM1-related conditions. This variant results in a copy number gain of the genomic region encompassing exons 2-4 of the PROM1 gene. While the exact position of this variant cannot be determined from this data, sub-genic copy number gains are generally in tandem (PMID: 25640679) and may result in an absent or disrupted protein product.

Literature cited by the submitters: PubMed 17605048; PubMed 19718270; PubMed 24154662; PubMed 25640679.